The following is an entry in ClinVar:

ClinVar aggregate classification (germline): Conflicting classifications of pathogenicity. Review status: criteria provided, conflicting classifications (1 of 4 stars). 5 submissions from 5 submitters: Uncertain significance (1); Benign (3); Likely benign (1). Last evaluated 2025-12-15.

Conditions:
Nemaline myopathy 6 (NEM6). Also called: Nemaline myopathy 6, autosomal dominant. Identifiers: Orphanet 171439, MedGen C1836472, MONDO:0012237, OMIM 609273.
Inborn genetic diseases. Identifiers: MedGen C0950123, MeSH D030342.

Allele frequency attached by ClinVar (database versions not stated): ExAC 0.00009; TOPMed 0.00107; 1000 Genomes Project 30x 0.00125; 1000 Genomes Project 0.00140.

Submissions (5):

Labcorp Genetics (formerly Invitae), Labcorp
Classification: Likely benign for Nemaline myopathy 6. Last evaluated: 2025-12-15. Review status: criteria provided, single submitter. Criteria: Invitae Variant Classification Sherloc (09022015). Collection method: clinical testing. Allele origin: germline.

Ambry Genetics
Classification: Uncertain significance for Inborn genetic diseases. Last evaluated: 2025-08-26. Review status: criteria provided, single submitter. Criteria: Ambry Variant Classification Scheme 2023. Collection method: clinical testing. Allele origin: germline.

CeGaT Center for Human Genetics Tuebingen
Classification: Benign. Last evaluated: 2022-07-01. Review status: criteria provided, single submitter. Criteria: CeGaT Center For Human Genetics Tuebingen Variant Classification Criteria Version 2. Collection method: clinical testing. Allele origin: germline. Affected: yes. Observed: 1 variant allele.
Comment: KBTBD13: BS1, BS2

GeneDx
Classification: Benign. Last evaluated: 2019-02-18. Review status: criteria provided, single submitter. Criteria: GeneDx Variant Classification Process June 2021. Collection method: clinical testing. Allele origin: germline. Affected: yes.

Illumina Laboratory Services, Illumina
Classification: Benign for Nemaline myopathy 6. Last evaluated: 2018-01-13. Review status: criteria provided, single submitter. Criteria: ICSL Variant Classification Criteria 13 December 2019. Collection method: clinical testing. Allele origin: germline.
Comment: This variant was observed in the ICSL laboratory as part of a predisposition screen in an ostensibly healthy population. It had not been previously curated by ICSL or reported in the Human Gene Mutation Database (HGMD: prior to June 1st, 2018), and was therefore a candidate for classification through an automated scoring system. Utilizing variant allele frequency, disease prevalence and penetrance estimates, and inheritance mode, an automated score was calculated to assess if this variant is too frequent to cause the disease. Based on the score and internal cut-off values, a variant classified as benign is not then subjected to further curation. The score for this variant resulted in a classification of benign for this disease.

NM_001101362.3(KBTBD13):c.333C>G (p.Asp111Glu)

Gene: KBTBD13 (kelch repeat and BTB domain containing 13; plus strand). Cytogenetic location: 15q22.31.
Variant type: single nucleotide variant.
Coding change: c.333C>G on transcript NM_001101362.3 (MANE Select); coding-DNA position 333, C replaced by G.
Protein change: p.Asp111Glu; replaces aspartic acid 111 with glutamic acid.
Molecular consequence: missense variant.
Genome position (GRCh38, 1-based): chr15:65,077,148, C>G. VCF-style: chr15-65077148-C-G. GRCh37 (hg19) VCF-style: chr15-65369486-C-G.
Other names: short protein forms D111E.
Identifiers: ClinVar variation 316739 (VCV000316739.78), dbSNP rs188146580, ClinGen allele CA7613924.